The following is an entry in ClinVar:

NM_178857.6(RP1L1):c.847C>T (p.Pro283Ser)

Gene: RP1L1 (RP1 like 1). Cytogenetic location: 8p23.1.
Variant type: single nucleotide variant.
Coding change: c.847C>T on transcript NM_178857.6 (MANE Select); coding-DNA position 847, C replaced by T.
Protein change: p.Pro283Ser; replaces proline 283 with serine.
Molecular consequence: missense variant.
Genome position (GRCh38, 1-based): chr8:10,613,251, G>A on the plus strand (C>T on the coding strand, the complement: RP1L1 is on the minus strand). VCF-style: chr8-10613251-G-A. GRCh37 (hg19) VCF-style: chr8-10470761-G-A.
Other names: short protein forms P283S.
Identifiers: ClinVar variation 4982352 (VCV004982352.1).

ClinVar aggregate classification (germline): Uncertain significance (1 of 4 stars; one submission).

Conditions:
RP1L1-related disorder. Also called: RP1L1-related condition.

gnomAD v4.1: 4 of 1,611,566 alleles (0.00025%); highest among the groups gnomAD compares: South Asian, 0.0033%; no homozygotes.

Submission:

PreventionGenetics, part of Exact Sciences
Classification: Uncertain significance for RP1L1-related condition. Last evaluated: 2025-04-09. Review status: criteria provided, single submitter. Criteria: ACMG Guidelines, 2015. Collection method: clinical testing. Allele origin: germline.
Comment: The RP1L1 c.847C>T variant is predicted to result in the amino acid substitution p.Pro283Ser. To our knowledge, this variant has not been reported in the literature. This variant is reported in 0.0065% of alleles in individuals of African descent in gnomAD. At this time, the clinical significance of this variant is uncertain due to the absence of conclusive functional and genetic evidence.